The following is an entry in ClinVar:

ClinVar aggregate classification (germline): Uncertain significance. Review status: criteria provided, multiple submitters, no conflicts (2 of 4 stars). 2 submissions from 2 submitters: Uncertain significance (2). Last evaluated 2022-03-28.

Conditions:
Brugada syndrome. Also called: Sudden Unexplained Death Syndrome; Sudden Unexplained Nocturnal Death Syndrome (SUNDS); Sudden unexpected nocturnal death syndrome; Sudden unexplained nocturnal death syndrome. Identifiers: Orphanet 130, MedGen C1142166, MONDO:0015263.
Cardiovascular phenotype. Identifiers: MedGen CN230736.

gnomAD v4.1: 2 of 1,613,934 alleles (0.00012%); highest among the groups gnomAD compares: Middle Eastern, 0.016%; no homozygotes.

Submissions (2):

Labcorp Genetics (formerly Invitae), Labcorp
Classification: Uncertain significance for Brugada syndrome. Last evaluated: 2022-03-28. Review status: criteria provided, single submitter. Criteria: Invitae Variant Classification Sherloc (09022015). Collection method: clinical testing. Allele origin: germline.
Comment: This sequence change replaces proline, which is neutral and non-polar, with leucine, which is neutral and non-polar, at codon 721 of the SCN10A protein (p.Pro721Leu). This variant is not present in population databases (gnomAD no frequency). This variant has not been reported in the literature in individuals affected with SCN10A-related conditions. Algorithms developed to predict the effect of missense changes on protein structure and function (SIFT, PolyPhen-2, Align-GVGD) all suggest that this variant is likely to be disruptive. In summary, the available evidence is currently insufficient to determine the role of this variant in disease. Therefore, it has been classified as a Variant of Uncertain Significance.

Ambry Genetics
Classification: Uncertain significance for Cardiovascular phenotype. Last evaluated: 2019-08-20. Review status: criteria provided, single submitter. Criteria: Ambry Variant Classification Scheme 2023. Collection method: clinical testing. Allele origin: germline.
Comment: The p.P721L variant (also known as c.2162C>T), located in coding exon 14 of the SCN10A gene, results from a C to T substitution at nucleotide position 2162. The proline at codon 721 is replaced by leucine, an amino acid with similar properties. This amino acid position is highly conserved in available vertebrate species. In addition, this alteration is predicted to be deleterious by in silico analysis. Since supporting evidence is limited at this time, the clinical significance of this alteration remains unclear.

NM_006514.4(SCN10A):c.2162C>T (p.Pro721Leu)

Gene: SCN10A (sodium voltage-gated channel alpha subunit 10; minus strand). Cytogenetic location: 3p22.2.
Variant type: single nucleotide variant.
Coding change: c.2162C>T on transcript NM_006514.4 (MANE Select); coding-DNA position 2162, C replaced by T.
Protein change: p.Pro721Leu; replaces proline 721 with leucine.
Molecular consequence: missense variant.
Genome position (GRCh38, 1-based): chr3:38,739,633, G>A on the plus strand (C>T on the coding strand, the complement: SCN10A is on the minus strand). VCF-style: chr3-38739633-G-A. GRCh37 (hg19) VCF-style: chr3-38781124-G-A.
Other names: c.2162C>T, p.Pro721Leu (NM_001293306.2); c.1868C>T, p.Pro623Leu (NM_001293307.2); short protein forms P721L, P623L.
Identifiers: ClinVar variation 1786931 (VCV001786931.4), dbSNP rs1281955309, ClinGen allele CA352164514.